The following is an entry in ClinVar:

ClinVar aggregate classification (germline): Uncertain significance (1 of 4 stars; one submission).

Submission:

Labcorp Genetics (formerly Invitae), Labcorp
Classification: Uncertain significance. Last evaluated: 2022-10-10. Review status: criteria provided, single submitter. Criteria: Invitae Variant Classification Sherloc (09022015). Collection method: clinical testing. Allele origin: germline.
Comment: In summary, the available evidence is currently insufficient to determine the role of this variant in disease. Therefore, it has been classified as a Variant of Uncertain Significance. Advanced modeling of protein sequence and biophysical properties (such as structural, functional, and spatial information, amino acid conservation, physicochemical variation, residue mobility, and thermodynamic stability) performed at Invitae indicates that this missense variant is not expected to disrupt PLG protein function. This variant has not been reported in the literature in individuals affected with PLG-related conditions. This variant is not present in population databases (gnomAD no frequency). This sequence change replaces valine, which is neutral and non-polar, with alanine, which is neutral and non-polar, at codon 693 of the PLG protein (p.Val693Ala).

NM_000301.5(PLG):c.2078T>C (p.Val693Ala)

Gene: PLG (plasminogen; plus strand). Cytogenetic location: 6q26.
Variant type: single nucleotide variant.
Coding change: c.2078T>C on transcript NM_000301.5 (MANE Select); coding-DNA position 2078, T replaced by C.
Protein change: p.Val693Ala; replaces valine 693 with alanine.
Molecular consequence: missense variant.
Genome position (GRCh38, 1-based): chr6:160,741,370, T>C. VCF-style: chr6-160741370-T-C. GRCh37 (hg19) VCF-style: chr6-161162402-T-C.
Other names: short protein forms V693A.
Identifiers: ClinVar variation 2135560 (VCV002135560.4), dbSNP rs2484402665, ClinGen allele CA366366377.